The following is an entry in ClinVar:

ClinVar aggregate classification (germline): Benign/Likely benign. Review status: criteria provided, multiple submitters, no conflicts (2 of 4 stars). 4 submissions from 4 submitters: Benign (1); Likely benign (3). Last evaluated 2025-05-05.

Conditions:
Hereditary cancer-predisposing syndrome. Also called: Neoplastic Syndromes, Hereditary; Tumor predisposition; Hereditary Cancer Syndrome; Hereditary neoplastic syndrome. Identifiers: Orphanet 140162, MedGen C0027672, MeSH D009386, MONDO:0015356.
Familial adenomatous polyposis 1 (FAP1). Also called: FAMILIAL ADENOMATOUS POLYPOSIS 1, ATTENUATED; POLYPOSIS, ADENOMATOUS INTESTINAL. Identifiers: MedGen C2713442, MONDO:0021056, OMIM 175100. Disease mechanism: loss of function.

Allele frequency attached by ClinVar (database versions not stated): gnomAD exomes below 0.00001.
gnomAD v4.1: 1 of 1,614,040 alleles (0.000062%); highest among the groups gnomAD compares: Non-Finnish European, 0.000085%; no homozygotes.

Submissions (4):

Labcorp Genetics (formerly Invitae), Labcorp
Classification: Likely benign for Familial adenomatous polyposis 1. Last evaluated: 2025-05-05. Review status: criteria provided, single submitter. Criteria: Invitae Variant Classification Sherloc (09022015). Collection method: clinical testing. Allele origin: germline.

Myriad Genetics, Inc.
Classification: Benign for Familial adenomatous polyposis 1. Last evaluated: 2024-04-15. Review status: criteria provided, single submitter. Criteria: Myriad Autosomal Dominant, Autosomal Recessive and X-Linked Classification Criteria (2023). Collection method: clinical testing. Allele origin: unknown.
Comment: This variant is considered benign. This variant is a silent/synonymous amino acid change and it is not expected to impact splicing.

Color Diagnostics, LLC DBA Color Health
Classification: Likely benign for Hereditary cancer-predisposing syndrome. Last evaluated: 2022-11-07. Review status: criteria provided, single submitter. Criteria: ACMG Guidelines, 2015. Collection method: clinical testing. Allele origin: germline.

Ambry Genetics
Classification: Likely benign for Hereditary cancer-predisposing syndrome. Last evaluated: 2017-03-28. Review status: criteria provided, single submitter. Criteria: Ambry Variant Classification Scheme 2023. Collection method: clinical testing. Allele origin: germline.

NM_000038.6(APC):c.8238C>T (p.Val2746=)

Gene: APC (APC regulator of Wnt signaling pathway; plus strand). Cytogenetic location: 5q22.2.
Variant type: single nucleotide variant.
Coding change: c.8238C>T on transcript NM_000038.6 (MANE Select); coding-DNA position 8238, C replaced by T.
Protein change: p.Val2746=; no amino-acid change (valine 2746 retained).
Molecular consequence: synonymous variant.
Genome position (GRCh38, 1-based): chr5:112,843,832, C>T. VCF-style: chr5-112843832-C-T. GRCh37 (hg19) VCF-style: chr5-112179529-C-T.
Other names: c.8238C>T, p.Val2746= (NM_001127510.3, NM_001354895.2); c.8184C>T, p.Val2728= (NM_001127511.3); c.8292C>T, p.Val2764= (NM_001354896.2); c.8268C>T, p.Val2756= (NM_001354897.2); c.8163C>T, p.Val2721= (NM_001354898.2); c.8154C>T, p.Val2718= (NM_001354899.2); c.8115C>T, p.Val2705= (NM_001354900.2); c.8061C>T, p.Val2687= (NM_001354901.2); and 5 more.
Identifiers: ClinVar variation 482460 (VCV000482460.13), dbSNP rs1554088993, ClinGen allele CA446211331.